The following is an entry in ClinVar:

ClinVar aggregate classification (germline): Uncertain significance (1 of 4 stars; one submission).

Conditions:
Familial cancer of breast. Also called: Hereditary breast cancer; BREAST CANCER, FAMILIAL; hereditary breast carcinoma. Identifiers: Orphanet 227535, MedGen C0346153, MONDO:0016419, OMIM 114480. Disease mechanism: loss of function.

Submission:

Labcorp Genetics (formerly Invitae), Labcorp
Classification: Uncertain significance for Familial cancer of breast. Last evaluated: 2022-02-18. Review status: criteria provided, single submitter. Criteria: Invitae Variant Classification Sherloc (09022015). Collection method: clinical testing. Allele origin: germline.
Comment: In summary, the available evidence is currently insufficient to determine the role of this variant in disease. Therefore, it has been classified as a Variant of Uncertain Significance. Algorithms developed to predict the effect of missense changes on protein structure and function output the following: SIFT: "Tolerated"; PolyPhen-2: "Benign"; Align-GVGD: "Class C0". The asparagine amino acid residue is found in multiple mammalian species, which suggests that this missense change does not adversely affect protein function. This variant has not been reported in the literature in individuals affected with BARD1-related conditions. This variant is not present in population databases (gnomAD no frequency). This sequence change replaces histidine, which is basic and polar, with asparagine, which is neutral and polar, at codon 459 of the BARD1 protein (p.His459Asn).

NM_000465.4(BARD1):c.1375C>A (p.His459Asn)

Gene: BARD1 (BRCA1 associated RING domain 1; minus strand). Cytogenetic location: 2q35.
Variant type: single nucleotide variant.
Coding change: c.1375C>A on transcript NM_000465.4 (MANE Select); coding-DNA position 1375, C replaced by A.
Protein change: p.His459Asn; replaces histidine 459 with asparagine.
Molecular consequence: missense variant. On other transcripts: non-coding transcript variant (3), intron variant (3).
Genome position (GRCh38, 1-based): chr2:214,769,252, G>T on the plus strand (C>A on the coding strand, the complement: BARD1 is on the minus strand). VCF-style: chr2-214769252-G-T. GRCh37 (hg19) VCF-style: chr2-215633976-G-T.
Other names: c.1318C>A, p.His440Asn (NM_001282543.2); c.159-16697C>A (NM_001282548.2); c.216-16697C>A (NM_001282545.2); c.364+23045C>A (NM_001282549.2); short protein forms H440N, H459N.
Identifiers: ClinVar variation 1428230 (VCV001428230.9), dbSNP rs2106081184, ClinGen allele CA350450192.